The following is an entry in ClinVar:

NM_001127222.2(CACNA1A):c.3004A>G (p.Arg1002Gly)

Gene: CACNA1A (calcium voltage-gated channel subunit alpha1 A; minus strand). Cytogenetic location: 19p13.13.
Variant type: single nucleotide variant.
Coding change: c.3004A>G on transcript NM_001127222.2 (MANE Select); coding-DNA position 3004, A replaced by G.
Protein change: p.Arg1002Gly; replaces arginine 1002 with glycine.
Molecular consequence: missense variant.
Genome position (GRCh38, 1-based): chr19:13,298,629, T>C on the plus strand (A>G on the coding strand, the complement: CACNA1A is on the minus strand). VCF-style: chr19-13298629-T-C. GRCh37 (hg19) VCF-style: chr19-13409443-T-C.
Other names: c.3016A>G, p.Arg1006Gly (NM_000068.4, NM_023035.3); c.3007A>G, p.Arg1003Gly (NM_001127221.2, NM_001174080.2); short protein forms R1003G, R1002G, R1006G.
Identifiers: ClinVar variation 589950 (VCV000589950.5), dbSNP rs1175036875, ClinGen allele CA404342273.

ClinVar aggregate classification (germline): Uncertain significance (1 of 4 stars; one submission).

Conditions:
Inborn genetic diseases. Identifiers: MedGen C0950123, MeSH D030342.

Allele frequency attached by ClinVar (database versions not stated): gnomAD 0.00001.

Submission:

Ambry Genetics
Classification: Uncertain significance for Inborn genetic diseases. Last evaluated: 2016-10-14. Review status: criteria provided, single submitter. Criteria: Ambry Variant Classification Scheme 2023. Collection method: clinical testing. Allele origin: germline.
Comment: The p.R1003G variant (also known as c.3007A>G), located in coding exon 19 of the CACNA1A gene, results from an A to G substitution at nucleotide position 3007. The arginine at codon 1003 is replaced by glycine, an amino acid with dissimilar properties. This variant was not reported in population based cohorts in the following databases: Database of Single Nucleotide Polymorphisms (dbSNP), NHLBI Exome Sequencing Project (ESP), and 1000 Genomes Project. In the ESP, this variant was not observed in 4385 samples (8770 alleles) with coverage at this position. This amino acid position is well conserved in available vertebrate species. In addition, the in silico prediction for this alteration is inconclusive. Since supporting evidence is limited at this time, the clinical significance of this alteration remains unclear.